The following is an entry in ClinVar:

NM_000097.7(CPOX):c.248C>T (p.Ala83Val)

Genes: CPOX (coproporphyrinogen oxidase; minus strand), LOC129937121 (ATAC-STARR-seq lymphoblastoid silent region 14560; plus strand). Cytogenetic location: 3q11.2.
Variant type: single nucleotide variant.
Coding change: c.248C>T on transcript NM_000097.7 (MANE Select); coding-DNA position 248, C replaced by T.
Protein change: p.Ala83Val; replaces alanine 83 with valine.
Molecular consequence: missense variant.
Genome position (GRCh38, 1-based): chr3:98,593,257, G>A on the plus strand (C>T on the coding strand, the complement: CPOX is on the minus strand). VCF-style: chr3-98593257-G-A. GRCh37 (hg19) VCF-style: chr3-98312101-G-A.
Other names: short protein forms A83V.
Identifiers: ClinVar variation 2628506 (VCV002628506.4), dbSNP rs775066459, ClinGen allele CA2511749.

ClinVar aggregate classification (germline): Uncertain significance. Review status: criteria provided, multiple submitters, no conflicts (2 of 4 stars). 2 submissions from 2 submitters: Uncertain significance (2). Last evaluated 2025-12-02.

Conditions:
CPOX-related disorder. Also called: CPOX-related disorders; CPOX-related condition.

Allele frequency attached by ClinVar (database versions not stated): TOPMed 0.00001; ExAC 0.00003; gnomAD 0.00001.

Submissions (2):

Labcorp Genetics (formerly Invitae), Labcorp
Classification: Uncertain significance. Last evaluated: 2025-12-02. Review status: criteria provided, single submitter. Criteria: Invitae Variant Classification Sherloc (09022015). Collection method: clinical testing. Allele origin: germline.
Comment: This sequence change replaces alanine, which is neutral and non-polar, with valine, which is neutral and non-polar, at codon 83 of the CPOX protein (p.Ala83Val). The frequency data for this variant in the population databases is considered unreliable, as metrics indicate poor data quality at this position in the gnomAD database. This variant has not been reported in the literature in individuals affected with CPOX-related conditions. ClinVar contains an entry for this variant (Variation ID: 2628506). An algorithm developed to predict the effect of missense changes on protein structure and function (PolyPhen-2) suggests that this variant is likely to be tolerated. In summary, the available evidence is currently insufficient to determine the role of this variant in disease. Therefore, it has been classified as a Variant of Uncertain Significance.

PreventionGenetics, part of Exact Sciences
Classification: Uncertain significance for CPOX-related condition. Last evaluated: 2023-08-25. Review status: criteria provided, single submitter. Criteria: ACMG Guidelines, 2015. Collection method: clinical testing. Allele origin: germline.
Comment: The CPOX c.248C>T variant is predicted to result in the amino acid substitution p.Ala83Val. To our knowledge, this variant has not been reported in the literature. This variant is reported in 0.011% of alleles in individuals of African descent in gnomAD. At this time, the clinical significance of this variant is uncertain due to the absence of conclusive functional and genetic evidence.